The following is an entry in ClinVar:

NM_001384910.1(GUCA1A):c.583G>A (p.Glu195Lys)

Genes: GUCA1A (guanylate cyclase activator 1A; plus strand), GUCA1ANB-GUCA1A (GUCA1ANB-GUCA1A readthrough; plus strand). Cytogenetic location: 6p21.1.
Variant type: single nucleotide variant.
Coding change: c.583G>A on transcript NM_001384910.1 (MANE Select); coding-DNA position 583, G replaced by A.
Protein change: p.Glu195Lys; replaces glutamic acid 195 with lysine.
Molecular consequence: missense variant.
Genome position (GRCh38, 1-based): chr6:42,179,380, G>A. VCF-style: chr6-42179380-G-A. GRCh37 (hg19) VCF-style: chr6-42147118-G-A.
Other names: c.583G>A, p.Glu195Lys (NM_000409.5, NM_001319061.2, NM_001319062.2); short protein forms E195K.
Identifiers: ClinVar variation 4762495 (VCV004762495.1).

ClinVar aggregate classification (germline): Uncertain significance (1 of 4 stars; one submission).

gnomAD v4.1: 4 of 1,602,860 alleles (0.00025%); highest among the groups gnomAD compares: Non-Finnish European, 0.00034%; no homozygotes.

Submission:

Labcorp Genetics (formerly Invitae), Labcorp
Classification: Uncertain significance. Last evaluated: 2025-09-14. Review status: criteria provided, single submitter. Criteria: Invitae Variant Classification Sherloc (09022015). Collection method: clinical testing. Allele origin: germline.
Comment: This sequence change replaces glutamic acid, which is acidic and polar, with lysine, which is basic and polar, at codon 195 of the GUCA1A protein (p.Glu195Lys). This variant is present in population databases (rs749286416, gnomAD 0.002%). This variant has not been reported in the literature in individuals affected with GUCA1A-related conditions. Experimental studies and prediction algorithms are not available or were not evaluated, and the functional significance of this variant is currently unknown. In summary, the available evidence is currently insufficient to determine the role of this variant in disease. Therefore, it has been classified as a Variant of Uncertain Significance.